The following is an entry in ClinVar:

NM_003070.5(SMARCA2):c.2794A>G (p.Ile932Val)

Gene: SMARCA2 (SWI/SNF related BAF chromatin remodeling complex subunit ATPase 2; plus strand). Cytogenetic location: 9p24.3.
Variant type: single nucleotide variant.
Coding change: c.2794A>G on transcript NM_003070.5 (MANE Select); coding-DNA position 2794, A replaced by G.
Protein change: p.Ile932Val; replaces isoleucine 932 with valine.
Molecular consequence: missense variant.
Genome position (GRCh38, 1-based): chr9:2,088,524, A>G. VCF-style: chr9-2088524-A-G. GRCh37 (hg19) VCF-style: chr9-2088524-A-G.
Other names: c.2794A>G, p.Ile932Val (NM_001289396.2, NM_139045.4); c.2620A>G, p.Ile874Val (NM_001289397.2); short protein forms I932V, I874V.
Identifiers: ClinVar variation 4767315 (VCV004767315.1).

ClinVar aggregate classification (germline): Uncertain significance (1 of 4 stars; one submission).

gnomAD v4.1: 3 of 1,585,980 alleles (0.00019%); highest among the groups gnomAD compares: East Asian, 0.0022%; no homozygotes.

Submission:

Labcorp Genetics (formerly Invitae), Labcorp
Classification: Uncertain significance. Last evaluated: 2025-12-01. Review status: criteria provided, single submitter. Criteria: Invitae Variant Classification Sherloc (09022015). Collection method: clinical testing. Allele origin: germline.
Comment: This sequence change replaces isoleucine, which is neutral and non-polar, with valine, which is neutral and non-polar, at codon 932 of the SMARCA2 protein (p.Ile932Val). This variant is not present in population databases (gnomAD no frequency). This variant has not been reported in the literature in individuals affected with SMARCA2-related conditions. Invitae Evidence Modeling of protein sequence and biophysical properties (such as structural, functional, and spatial information, amino acid conservation, physicochemical variation, residue mobility, and thermodynamic stability) indicates that this missense variant is not expected to disrupt SMARCA2 protein function with a negative predictive value of 80%. In summary, the available evidence is currently insufficient to determine the role of this variant in disease. Therefore, it has been classified as a Variant of Uncertain Significance.